The following is an entry in ClinVar:

NM_000829.4(GRIA4):c.457T>C (p.Cys153Arg)

Genes: GRIA4 (glutamate ionotropic receptor AMPA type subunit 4; plus strand), LOC126861324 (CDK7 strongly-dependent group 2 enhancer GRCh37_chr11:105623830-105625029; plus strand). Cytogenetic location: 11q22.3.
Variant type: single nucleotide variant.
Coding change: c.457T>C on transcript NM_000829.4 (MANE Select); coding-DNA position 457, T replaced by C.
Protein change: p.Cys153Arg; replaces cysteine 153 with arginine.
Molecular consequence: missense variant. On other transcripts: non-coding transcript variant (1).
Genome position (GRCh38, 1-based): chr11:105,753,190, T>C. VCF-style: chr11-105753190-T-C. GRCh37 (hg19) VCF-style: chr11-105623916-T-C.
Other names: c.457T>C, p.Cys153Arg (NM_001077243.3, NM_001077244.2, NM_001112812.2); short protein forms C153R.
Identifiers: ClinVar variation 3362833 (VCV003362833.3).

ClinVar aggregate classification (germline): Uncertain significance (1 of 4 stars; one submission).

Conditions:
Neurodevelopmental disorder with or without seizures and gait abnormalities. Identifiers: MedGen C4693391, MONDO:0060641, OMIM 617864.

Submission:

Neuberg Centre For Genomic Medicine, NCGM
Classification: Uncertain significance for Neurodevelopmental disorder with or without seizures and gait abnormalities. Review status: criteria provided, single submitter. Criteria: ACMG Guidelines, 2015. Collection method: clinical testing. Allele origin: germline. Inheritance: Autosomal dominant inheritance. Affected: yes.
Comment: The observed missense c.457T>C (p.Cys153Arg) variant in GRIA4 gene has not been reported previously as a pathogenic variant nor as a benign variant, to our knowledge. The p.Cys153Arg variant is absent in gnomAD Exomes. This variant has not been submitted to the ClinVar database. Computational evidence (Polyphen - Benign, SIFT - Tolerated and MutationTaster - Disease causing) predicts conflicting evidence on protein structure and function for this variant. The reference amino acid of p.Cys153Arg in GRIA4 is predicted as conserved by GERP++ and PhyloP across 100 vertebrates. The amino acid Cys at position 153 is changed to a Arg changing protein sequence and it might alter its composition and physico-chemical properties. For these reasons, this variant has been classified as a Variant of Uncertain Significance (VUS).